The following is an entry in ClinVar:

ClinVar aggregate classification (germline): Uncertain significance. Review status: criteria provided, multiple submitters, no conflicts (2 of 4 stars). 5 submissions from 5 submitters: Uncertain significance (3). 2 of the submissions do not count toward it. Last evaluated 2024-07-26.

Conditions:
Hereditary spastic paraplegia 49 (HSAN9). Also called: NEUROPATHY, HEREDITARY SENSORY AND AUTONOMIC, TYPE IX, WITH DEVELOPMENTAL DELAY; Spastic paraplegia 49, autosomal recessive; TECPR2-Related Hereditary Sensory and Autonomic Neuropathy with Intellectual Disability. Identifiers: Orphanet 320385, MedGen C5190860, MONDO:0014016, OMIM 615031.

Submissions (5):

Mayo Clinic Laboratories, Mayo Clinic
Classification: Uncertain significance. Last evaluated: 2024-07-26. Review status: criteria provided, single submitter. Criteria: ACMG Guidelines, 2015. Collection method: clinical testing. Allele origin: germline. Observed: 1 variant allele.
Comment: PM4

Labcorp Genetics (formerly Invitae), Labcorp
Classification: Uncertain significance for Hereditary spastic paraplegia 49. Last evaluated: 2022-01-11. Review status: criteria provided, single submitter. Criteria: Invitae Variant Classification Sherloc (09022015). Collection method: clinical testing. Allele origin: germline.
Comment: This variant, c.1412_1414del, results in the deletion of 1 amino acid(s) of the TECPR2 protein (p.Lys471del), but otherwise preserves the integrity of the reading frame. The frequency data for this variant in the population databases is considered unreliable, as metrics indicate poor data quality at this position in the gnomAD database. This variant has not been reported in the literature in individuals affected with TECPR2-related conditions. ClinVar contains an entry for this variant (Variation ID: 550980). Experimental studies and prediction algorithms are not available or were not evaluated, and the functional significance of this variant is currently unknown. In summary, the available evidence is currently insufficient to determine the role of this variant in disease. Therefore, it has been classified as a Variant of Uncertain Significance.

Breakthrough Genomics
Classification: Uncertain significance. Review status: criteria provided, single submitter. Criteria: ACMG Guidelines, 2015. Collection method: not provided. Allele origin: germline. Inheritance: Autosomal recessive inheritance. Affected: yes.

Natera, Inc.
Classification: Likely benign for Autosomal recessive spastic paraplegia type 49. Last evaluated: 2020-04-16. Review status: no assertion criteria provided. Collection method: clinical testing. Allele origin: germline. Not counted in ClinVar's aggregate classification.

Counsyl
Classification: Uncertain significance for Hereditary spastic paraplegia 49. Last evaluated: 2017-03-16. Review status: no assertion criteria provided. Collection method: clinical testing. Allele origin: unknown. Not counted in ClinVar's aggregate classification.

NM_014844.5(TECPR2):c.1397AGA[5] (p.Lys471del)

Gene: TECPR2 (tectonin beta-propeller repeat containing 2; plus strand). Cytogenetic location: 14q32.31.
Variant type: Microsatellite.
Coding change: c.1397AGA[5] on transcript NM_014844.5 (MANE Select); five copies in a row of the 3-base unit AGA starting at c.1397; the reference has six copies in a row; one copy, 3 bases deleted; also written c.1412_1414del.
Protein change: p.Lys471del; deletes lysine 471.
Molecular consequence: inframe deletion.
Genome position (GRCh38, 1-based): chr14:102,432,123-102,432,125, AGA deleted; deleting any 3 consecutive bases within chr14:102,432,106-102,432,125 gives the same sequence; the position shown is the placement nearest the transcript's 3' end. VCF-style (leftmost placement, unchanged base first): chr14-102432105-GGAA-G. GRCh37 (hg19) VCF-style: chr14-102898442-GGAA-G.
Other names: p.Lys471del; c.1397AGA[5], p.Lys471del (NM_001172631.3); c.1412_1414delAGA (NM_014844.5); c.1412_1414del (NM_014844.5); short protein forms K471del.
Identifiers: ClinVar variation 550980 (VCV000550980.8), dbSNP rs572609303, ClinGen allele CA7357707.